The following is an entry in ClinVar:

NM_002474.3(MYH11):c.5766C>T (p.Asn1922=)

Genes: MYH11 (myosin heavy chain 11; minus strand), NDE1 (nudE neurodevelopment protein 1; plus strand). Cytogenetic location: 16p13.11.
Variant type: single nucleotide variant.
Coding change: c.5766C>T on transcript NM_002474.3 (MANE Select); coding-DNA position 5766, C replaced by T.
Protein change: p.Asn1922=; no amino-acid change (asparagine 1922 retained).
Molecular consequence: synonymous variant. On other transcripts: intron variant (2).
Genome position (GRCh38, 1-based): chr16:15,714,929, G>A on the plus strand (C>T on the coding strand, the complement: MYH11 is on the minus strand). VCF-style: chr16-15714929-G-A. GRCh37 (hg19) VCF-style: chr16-15808786-G-A.
Other names: c.5787C>T, p.Asn1929= (NM_001040113.2, NM_001040114.2); c.5766C>T, p.Asn1922= (NM_022844.3); c.948-9262G>A (NM_001143979.2, NM_017668.3).
Identifiers: ClinVar variation 782204 (VCV000782204.55), dbSNP rs764020019, ClinGen allele CA7921147.
Genomic context (GRCh38, chr16:15,714,929, plus strand): 5'-GCCTGAGAGACGGGGTCCTCCCGGGCCACGGGCTCCTCACCTGAGCTTGCTCTTGAGTGC[G>A]TTCACCTCGCGGCCCATGGCCTCGTTGCTCTCCGTGGCCTCATCCAGCTCCCGCTGCAGC-3'
Protein context (NP_002465.1, residues 1912-1932): ESNEAMGREV[Asn1922=]ALKSKLRRGN

ClinVar aggregate classification (germline): Conflicting classifications of pathogenicity. Review status: criteria provided, conflicting classifications (1 of 4 stars). 7 submissions from 7 submitters: Uncertain significance (1); Likely benign (6). Last evaluated 2025-12-02.

Conditions:
Familial thoracic aortic aneurysm and aortic dissection (TAAD). Also called: Thoracic aortic aneurysms and dissections. Identifiers: Orphanet 91387, MedGen C4707243, MONDO:0019625.
Aortic aneurysm, familial thoracic 4 (AAT4). Also called: AORTIC ANEURYSM/AORTIC DISSECTION AND PATENT DUCTUS ARTERIOSUS. Identifiers: MedGen C1851504, MONDO:0007568, OMIM 132900.

Allele frequency attached by ClinVar (database versions not stated): gnomAD 0.00001; TOPMed 0.00001; ExAC 0.00002; gnomAD exomes 0.00002.
gnomAD v4.1: 78 of 1,613,884 alleles (0.0048%); highest among the groups gnomAD compares: Middle Eastern, 0.17%; no homozygotes.

Submissions (7):

Labcorp Genetics (formerly Invitae), Labcorp
Classification: Likely benign for Aortic aneurysm, familial thoracic 4. Last evaluated: 2025-12-02. Review status: criteria provided, single submitter. Criteria: Invitae Variant Classification Sherloc (09022015). Collection method: clinical testing. Allele origin: germline.

Ambry Genetics
Classification: Uncertain significance for Familial thoracic aortic aneurysm and aortic dissection. Last evaluated: 2025-09-15. Review status: criteria provided, single submitter. Criteria: Ambry Variant Classification Scheme 2023. Collection method: clinical testing. Allele origin: germline.
Comment: The c.5766C>T variant (also known as p.N1922N), located in coding exon 39 of the MYH11 gene, results from a C to T substitution at nucleotide position 5766. This nucleotide substitution does not change the amino acid at codon 1922. This nucleotide position is not well conserved in available vertebrate species. In silico splice site analysis predicts that this alteration may result in the creation or strengthening of a novel splice donor site. Based on the available evidence, the clinical significance of this variant remains unclear.

CeGaT Center for Human Genetics Tuebingen
Classification: Likely benign. Last evaluated: 2024-07-01. Review status: criteria provided, single submitter. Criteria: CeGaT Center For Human Genetics Tuebingen Variant Classification Criteria Version 2. Collection method: clinical testing. Allele origin: germline. Affected: yes. Observed: 5 variant alleles.
Comment: MYH11: BP7

All of Us Research Program, National Institutes of Health
Classification: Likely benign for Familial thoracic aortic aneurysm and aortic dissection. Last evaluated: 2024-05-14. Review status: criteria provided, single submitter. Criteria: ACMG Guidelines, 2015. Collection method: clinical testing. Allele origin: germline. Inheritance: Autosomal dominant inheritance. Observed: 8 variant alleles, 8 heterozygotes.
Comment: This study involves interpretation of variants in research participants for the purpose of population health screening. Participant phenotype was not available at the time of variant classification. Additional details can be found in publication PMID: 35346344, PMCID: PMC8962531

Women's Health and Genetics/Laboratory Corporation of America, LabCorp
Classification: Likely benign. Last evaluated: 2021-08-08. Review status: criteria provided, single submitter. Criteria: LabCorp Variant Classification Summary - May 2015. Collection method: clinical testing. Allele origin: germline.

GeneDx
Classification: Likely benign. Last evaluated: 2019-02-20. Review status: criteria provided, single submitter. Criteria: GeneDx Variant Classification Process June 2021. Collection method: clinical testing. Allele origin: germline. Affected: yes.

Color Diagnostics, LLC DBA Color Health
Classification: Likely benign for Familial thoracic aortic aneurysm and aortic dissection. Last evaluated: 2019-01-06. Review status: criteria provided, single submitter. Criteria: ACMG Guidelines, 2015. Collection method: clinical testing. Allele origin: germline.